The following is an entry in ClinVar:

ClinVar aggregate classification (germline): Benign/Likely benign. Review status: criteria provided, multiple submitters, no conflicts (2 of 4 stars). 3 submissions from 3 submitters: Benign (1); Likely benign (2). Last evaluated 2026-02-04.

Conditions:
Leigh syndrome (NULS). Also called: LEIGH SYNDROME, NUCLEAR; Leigh's syndrome; Leigh Disease; Subacute necrotizing encephalopathy; Necrotizing encephalopathy infantile subacute of Leigh; Leigh's necrotizing encephalopathy. Identifiers: Orphanet 506, MedGen C2931891, MONDO:0009723, OMIM 256000.

Submissions (3):

Labcorp Genetics (formerly Invitae), Labcorp
Classification: Likely benign for Leigh syndrome. Last evaluated: 2026-02-04. Review status: criteria provided, single submitter. Criteria: Invitae Variant Classification Sherloc (09022015). Collection method: clinical testing. Allele origin: germline.

Mayo Clinic Laboratories, Mayo Clinic
Classification: Benign. Last evaluated: 2022-03-23. Review status: criteria provided, single submitter. Criteria: ACMG Guidelines, 2015. Collection method: clinical testing. Allele origin: germline. Observed: 16 variant alleles.

GeneDx
Classification: Likely benign. Last evaluated: 2016-02-01. Review status: criteria provided, single submitter. Criteria: GeneDx Variant Classification (06012015). Collection method: clinical testing. Allele origin: germline. Affected: yes.
Comment: This variant is considered likely benign or benign based on one or more of the following criteria: it is a conservative change, it occurs at a poorly conserved position in the protein, it is predicted to be benign by multiple in silico algorithms, and/or has population frequency not consistent with disease.

NM_003172.4(SURF1):c.54+9_54+22del

Genes: SURF1 (SURF1 cytochrome c oxidase assembly factor; minus strand), LOC130002899 (ATAC-STARR-seq lymphoblastoid silent region 20452; plus strand). Cytogenetic location: 9q34.2.
Variant type: Deletion.
Coding change: c.54+9_54+22del on transcript NM_003172.4 (MANE Select); bases 9 to 22 of the intron after coding-DNA position 54, 14 bases deleted (CGGGTGCGGGGTGC).
Molecular consequence: intron variant.
Genome position (GRCh38, 1-based): chr9:133,356,378-133,356,391, GCACCCCGCACCCG deleted on the plus strand (CGGGTGCGGGGTGC on the coding strand, the reverse complement: SURF1 is on the minus strand); deleting any 14 consecutive bases within chr9:133,356,378-133,356,393 gives the same sequence; the c. name uses the placement nearest the transcript's 3' end. VCF-style (leftmost placement, unchanged base first): chr9-133356377-CGCACCCCGCACCCG-C. GRCh37 (hg19) VCF-style: chr9-136223253-CGCACCCCGCACCCG-C.
Other names: p.?; c.-222+9_-222+22del (NM_001280787.1); c.54+9_54+22delCGGGTGCGGGGTGC (NM_003172.3, NM_003172.2).
Identifiers: ClinVar variation 420446 (VCV000420446.15), dbSNP rs782659731, ClinGen allele CA16618783.